The following is an entry in ClinVar:

NM_022072.5(NSUN3):c.13-1G>T

Gene: NSUN3 (NOP2/Sun RNA methyltransferase 3; plus strand). Cytogenetic location: 3q11.2.
Variant type: single nucleotide variant.
Coding change: c.13-1G>T on transcript NM_022072.5 (MANE Select); the canonical splice acceptor site of the intron before coding-DNA position 13, G replaced by T.
Molecular consequence: splice acceptor variant.
Genome position (GRCh38, 1-based): chr3:94,064,436, G>T. VCF-style: chr3-94064436-G-T. GRCh37 (hg19) VCF-style: chr3-93783280-G-T.
Identifiers: ClinVar variation 1942600 (VCV001942600.5), dbSNP rs779000133, ClinGen allele CA2504601.

ClinVar aggregate classification (germline): Uncertain significance (1 of 4 stars; one submission).

Allele frequency attached by ClinVar (database versions not stated): TOPMed below 0.00001.
gnomAD v4.1: 4 of 1,607,474 alleles (0.00025%); highest among the groups gnomAD compares: African/African-American, 0.0013%; no homozygotes.

Submission:

Labcorp Genetics (formerly Invitae), Labcorp
Classification: Uncertain significance. Last evaluated: 2022-03-12. Review status: criteria provided, single submitter. Criteria: Invitae Variant Classification Sherloc (09022015). Collection method: clinical testing. Allele origin: germline.
Comment: This variant is present in population databases (rs779000133, gnomAD 0.0009%). In summary, the available evidence is currently insufficient to determine the role of this variant in disease. Therefore, it has been classified as a Variant of Uncertain Significance. Algorithms developed to predict the effect of sequence changes on RNA splicing suggest that this variant may disrupt the consensus splice site. This variant has not been reported in the literature in individuals affected with NSUN3-related conditions. This sequence change affects an acceptor splice site in intron 1 of the NSUN3 gene. It is expected to disrupt RNA splicing. Variants that disrupt the donor or acceptor splice site typically lead to a loss of protein function (PMID: 16199547), however the current clinical and genetic evidence is not sufficient to establish whether loss-of-function variants in NSUN3 cause disease.

Literature cited by the submitters: PubMed 16199547.